The following is an entry in ClinVar:

ClinVar aggregate classification (germline): Benign. Review status: criteria provided, multiple submitters, no conflicts (2 of 4 stars). 2 submissions from 2 submitters: Benign (2). Last evaluated 2022-07-01.

Allele frequency attached by ClinVar (database versions not stated): ESP Exome Variant Server 0.00038; gnomAD exomes 0.00048 and 0.00080; ExAC 0.00055; 1000 Genomes Project 30x 0.00094; 1000 Genomes Project 0.00100; TOPMed 0.00110; gnomAD 0.00123.
gnomAD v4.1: 903 of 1,614,164 alleles (0.056%); highest among the groups gnomAD compares: Admixed American, 0.33%; 3 homozygotes.

Submissions (2):

CeGaT Center for Human Genetics Tuebingen
Classification: Benign. Last evaluated: 2022-07-01. Review status: criteria provided, single submitter. Criteria: CeGaT Center For Human Genetics Tuebingen Variant Classification Criteria Version 2. Collection method: clinical testing. Allele origin: germline. Affected: yes. Observed: 2 variant alleles.
Comment: UBR4: BS1, BS2

Labcorp Genetics (formerly Invitae), Labcorp
Classification: Benign. Last evaluated: 2019-12-31. Review status: criteria provided, single submitter. Criteria: Invitae Variant Classification Sherloc (09022015). Collection method: clinical testing. Allele origin: germline.

NM_020765.3(UBR4):c.3378C>T (p.Ala1126=)

Gene: UBR4 (ubiquitin protein ligase E3 component n-recognin 4; minus strand). Cytogenetic location: 1p36.13.
Variant type: single nucleotide variant.
Coding change: c.3378C>T on transcript NM_020765.3 (MANE Select); coding-DNA position 3378, C replaced by T.
Protein change: p.Ala1126=; no amino-acid change (alanine 1126 retained).
Molecular consequence: synonymous variant.
Genome position (GRCh38, 1-based): chr1:19,173,007, G>A on the plus strand (C>T on the coding strand, the complement: UBR4 is on the minus strand). VCF-style: chr1-19173007-G-A. GRCh37 (hg19) VCF-style: chr1-19499501-G-A.
Identifiers: ClinVar variation 789507 (VCV000789507.28), dbSNP rs144843681, ClinGen allele CA651160.